The following is an entry in ClinVar:

NM_021927.3(GUF1):c.165+5C>T

Gene: GUF1 (GTP binding elongation factor GUF1; plus strand). Cytogenetic location: 4p12.
Variant type: single nucleotide variant.
Coding change: c.165+5C>T on transcript NM_021927.3 (MANE Select); 5 bases into the intron after coding-DNA position 165, C replaced by T.
Molecular consequence: intron variant.
Genome position (GRCh38, 1-based): chr4:44,678,792, C>T. VCF-style: chr4-44678792-C-T. GRCh37 (hg19) VCF-style: chr4-44680809-C-T.
Other names: c.165+5C>T (NM_001345868.2); c.-804+5C>T (NM_001345867.2); c.-696+5C>T (NM_001345869.2).
Identifiers: ClinVar variation 3625233 (VCV003625233.2).

ClinVar aggregate classification (germline): Uncertain significance (1 of 4 stars; one submission).

Submission:

Labcorp Genetics (formerly Invitae), Labcorp
Classification: Uncertain significance. Last evaluated: 2025-02-24. Review status: criteria provided, single submitter. Criteria: Invitae Variant Classification Sherloc (09022015). Collection method: clinical testing. Allele origin: germline.
Comment: This sequence change falls in intron 1 of the GUF1 gene. It does not directly change the encoded amino acid sequence of the GUF1 protein. It affects a nucleotide within the consensus splice site. The frequency data for this variant in the population databases is considered unreliable, as metrics indicate poor data quality at this position in the gnomAD database. This variant has not been reported in the literature in individuals affected with GUF1-related conditions. Variants that disrupt the consensus splice site are a relatively common cause of aberrant splicing (PMID: 17576681, 9536098). Algorithms developed to predict the effect of sequence changes on RNA splicing suggest that this variant is not likely to affect RNA splicing. In summary, the available evidence is currently insufficient to determine the role of this variant in disease. Therefore, it has been classified as a Variant of Uncertain Significance.

Literature cited by the submitters: PubMed 17576681; PubMed 9536098.